The following is an entry in ClinVar:

ClinVar aggregate classification (germline): Pathogenic (1 of 4 stars; one submission).

Conditions:
Neuronal ceroid lipofuscinosis 1 (CLN1). Also called: CEROID LIPOFUSCINOSIS, NEURONAL, 1, VARIABLE AGE AT ONSET; PPT1-Related Neuronal Ceroid-Lipofuscinosis. Identifiers: Orphanet 228329, MedGen C1850451, MONDO:0009744, OMIM 256730.

Submission:

Labcorp Genetics (formerly Invitae), Labcorp
Classification: Pathogenic for Neuronal ceroid lipofuscinosis 1. Last evaluated: 2021-07-27. Review status: criteria provided, single submitter. Criteria: Invitae Variant Classification Sherloc (09022015). Collection method: clinical testing. Allele origin: germline.
Comment: For these reasons, this variant has been classified as Pathogenic. Studies have shown that disruption of the initiator codon alters PPT1 gene expression (PMID: 11440996). Disruption of the initiator codon has been observed in individual(s) with neuronal ceroid lipofuscinosis (PMID: 11440996). This variant is not present in population databases (ExAC no frequency). This sequence change affects the initiator methionine of the PPT1 mRNA. The next in-frame methionine is located at codon 41.

Literature cited by the submitters: PubMed 11440996.

NM_000310.4(PPT1):c.2T>A (p.Met1Lys)

Gene: PPT1 (palmitoyl-protein thioesterase 1; minus strand). Cytogenetic location: 1p34.2.
Variant type: single nucleotide variant.
Coding change: c.2T>A on transcript NM_000310.4 (MANE Select); coding-DNA position 2, T replaced by A.
Protein change: p.Met1Lys; changes the start codon (methionine 1).
Molecular consequence: missense variant, initiator codon variant.
Genome position (GRCh38, 1-based): chr1:40,097,237, A>T on the plus strand (T>A on the coding strand, the complement: PPT1 is on the minus strand). VCF-style: chr1-40097237-A-T. GRCh37 (hg19) VCF-style: chr1-40562909-A-T.
Other names: c.2T>A, p.Met1Lys (NM_001142604.2, NM_001363695.2); short protein forms M1K.
Identifiers: ClinVar variation 1389507 (VCV001389507.6), dbSNP rs796052927, ClinGen allele CA339850879.